The following is an entry in ClinVar:

NM_004984.4(KIF5A):c.868G>A (p.Asp290Asn)

Gene: KIF5A (kinesin family member 5A; plus strand). Cytogenetic location: 12q13.3.
Variant type: single nucleotide variant.
Coding change: c.868G>A on transcript NM_004984.4 (MANE Select); coding-DNA position 868, G replaced by A.
Protein change: p.Asp290Asn; replaces aspartic acid 290 with asparagine.
Molecular consequence: missense variant.
Genome position (GRCh38, 1-based): chr12:57,569,304, G>A. VCF-style: chr12-57569304-G-A. GRCh37 (hg19) VCF-style: chr12-57963087-G-A.
Other names: c.601G>A, p.Asp201Asn (NM_001354705.2); short protein forms D201N, D290N.
Identifiers: ClinVar variation 3637605 (VCV003637605.2).
Genomic context (GRCh38, chr12:57,569,304, plus strand): 5'-TTCCTCCCCCAGAAAAGCTATGTTCCATATCGTGACAGCAAAATGACAAGGATTCTCCAG[G>A]ACTCTCTCGGGGGAAACTGCCGGACGACTATGTTCATCTGTTGCTCACCATCCAGTTATA-3'
Protein context (NP_004975.2, residues 280-300): RDSKMTRILQ[Asp290Asn]SLGGNCRTTM

ClinVar aggregate classification (germline): Uncertain significance (1 of 4 stars; one submission).

Conditions:
Spastic paraplegia. Identifiers: MedGen C0037772, HP:0001258.

Submission:

Labcorp Genetics (formerly Invitae), Labcorp
Classification: Uncertain significance for Spastic paraplegia. Last evaluated: 2024-09-11. Review status: criteria provided, single submitter. Criteria: Invitae Variant Classification Sherloc (09022015). Collection method: clinical testing. Allele origin: germline.
Comment: This sequence change replaces aspartic acid, which is acidic and polar, with asparagine, which is neutral and polar, at codon 290 of the KIF5A protein (p.Asp290Asn). This variant is not present in population databases (gnomAD no frequency). This variant has not been reported in the literature in individuals affected with KIF5A-related conditions. Invitae Evidence Modeling of protein sequence and biophysical properties (such as structural, functional, and spatial information, amino acid conservation, physicochemical variation, residue mobility, and thermodynamic stability) has been performed for this missense variant. However, the output from this modeling did not meet the statistical confidence thresholds required to predict the impact of this variant on KIF5A protein function. In summary, the available evidence is currently insufficient to determine the role of this variant in disease. Therefore, it has been classified as a Variant of Uncertain Significance.